The following is an entry in ClinVar:

NM_016169.4(SUFU):c.284T>C (p.Leu95Pro)

Gene: SUFU (SUFU negative regulator of hedgehog signaling; plus strand). Cytogenetic location: 10q24.32.
Variant type: single nucleotide variant.
Coding change: c.284T>C on transcript NM_016169.4 (MANE Select); coding-DNA position 284, T replaced by C.
Protein change: p.Leu95Pro; replaces leucine 95 with proline.
Molecular consequence: missense variant.
Genome position (GRCh38, 1-based): chr10:102,509,270, T>C. VCF-style: chr10-102509270-T-C. GRCh37 (hg19) VCF-style: chr10-104269027-T-C.
Other names: c.284T>C, p.Leu95Pro (NM_001178133.2); short protein forms L95P.
Identifiers: ClinVar variation 4551640 (VCV004551640.1).

ClinVar aggregate classification (germline): Uncertain significance (1 of 4 stars; one submission).

Conditions:
Hereditary cancer-predisposing syndrome. Also called: Tumor predisposition; Hereditary Cancer Syndrome; Hereditary neoplastic syndrome; Neoplastic Syndromes, Hereditary. Identifiers: Orphanet 140162, MedGen C0027672, MeSH D009386, MONDO:0015356.

Submission:

Ambry Genetics
Classification: Uncertain significance for Hereditary cancer-predisposing syndrome. Last evaluated: 2025-09-28. Review status: criteria provided, single submitter. Criteria: Ambry Variant Classification Scheme 2023. Collection method: clinical testing. Allele origin: germline.
Comment: The p.L95P variant (also known as c.284T>C), located in coding exon 2 of the SUFU gene, results from a T to C substitution at nucleotide position 284. The leucine at codon 95 is replaced by proline, an amino acid with similar properties. This amino acid position is conserved. In addition, this alteration is predicted to be deleterious by in silico analysis. Based on the available evidence, the clinical significance of this variant remains unclear.